The following is an entry in ClinVar:

ClinVar aggregate classification (germline): Uncertain significance. Review status: criteria provided, multiple submitters, no conflicts (2 of 4 stars). 3 submissions from 3 submitters: Uncertain significance (2). 1 of the submissions does not count toward it. Last evaluated 2025-08-21.

Conditions:
Carnitine palmitoyl transferase 1A deficiency. Also called: Carnitine palmitoyltransferase 1A deficiency; CPT deficiency, hepatic, type IA; CPT I DEFICIENCY; CPT DEFICIENCY, HEPATIC, TYPE I; Carnitine palmitoyltransferase type I deficiency. Identifiers: Orphanet 156, MedGen C1829703, MONDO:0009705, OMIM 255120.
Inborn genetic diseases. Identifiers: MedGen C0950123, MeSH D030342.

Allele frequency attached by ClinVar (database versions not stated): gnomAD exomes below 0.00001.
gnomAD v4.1: 7 of 1,614,214 alleles (0.00043%); highest among the groups gnomAD compares: South Asian, 0.0066%; no homozygotes.

Submissions (3):

Ambry Genetics
Classification: Uncertain significance for Inborn genetic diseases. Last evaluated: 2025-08-21. Review status: criteria provided, single submitter. Criteria: Ambry Variant Classification Scheme 2023. Collection method: clinical testing. Allele origin: germline.

Labcorp Genetics (formerly Invitae), Labcorp
Classification: Uncertain significance for Carnitine palmitoyl transferase 1A deficiency. Last evaluated: 2021-09-02. Review status: criteria provided, single submitter. Criteria: Invitae Variant Classification Sherloc (09022015). Collection method: clinical testing. Allele origin: germline.
Comment: This sequence change replaces leucine with phenylalanine at codon 469 of the CPT1A protein (p.Leu469Phe). The leucine residue is weakly conserved and there is a small physicochemical difference between leucine and phenylalanine. This variant is not present in population databases (ExAC no frequency). This variant has not been reported in the literature in individuals affected with CPT1A-related conditions. Algorithms developed to predict the effect of missense changes on protein structure and function (SIFT, PolyPhen-2, Align-GVGD) all suggest that this variant is likely to be tolerated. In summary, the available evidence is currently insufficient to determine the role of this variant in disease. Therefore, it has been classified as a Variant of Uncertain Significance.

Natera, Inc.
Classification: Uncertain significance for Carnitine palmitoyltransferase type I deficiency. Last evaluated: 2020-02-07. Review status: no assertion criteria provided. Collection method: clinical testing. Allele origin: germline. Not counted in ClinVar's aggregate classification.

NM_001876.4(CPT1A):c.1405C>T (p.Leu469Phe)

Gene: CPT1A (carnitine palmitoyltransferase 1A; minus strand). Cytogenetic location: 11q13.3.
Variant type: single nucleotide variant.
Coding change: c.1405C>T on transcript NM_001876.4 (MANE Select); coding-DNA position 1405, C replaced by T.
Protein change: p.Leu469Phe; replaces leucine 469 with phenylalanine.
Molecular consequence: missense variant.
Genome position (GRCh38, 1-based): chr11:68,780,693, G>A on the plus strand (C>T on the coding strand, the complement: CPT1A is on the minus strand). VCF-style: chr11-68780693-G-A. GRCh37 (hg19) VCF-style: chr11-68548161-G-A.
Other names: c.1405C>T, p.Leu469Phe (NM_001031847.3); short protein forms L469F.
Identifiers: ClinVar variation 964938 (VCV000964938.12), dbSNP rs1315026195, ClinGen allele CA381630786.